The following is an entry in ClinVar:

ClinVar aggregate classification (germline): Uncertain significance (1 of 4 stars; one submission).

Submission:

Labcorp Genetics (formerly Invitae), Labcorp
Classification: Uncertain significance. Last evaluated: 2024-03-20. Review status: criteria provided, single submitter. Criteria: Invitae Variant Classification Sherloc (09022015). Collection method: clinical testing. Allele origin: germline.
Comment: This sequence change replaces glutamine, which is neutral and polar, with proline, which is neutral and non-polar, at codon 179 of the EPHB4 protein (p.Gln179Pro). This variant is not present in population databases (gnomAD no frequency). This variant has not been reported in the literature in individuals affected with EPHB4-related conditions. Advanced modeling of protein sequence and biophysical properties (such as structural, functional, and spatial information, amino acid conservation, physicochemical variation, residue mobility, and thermodynamic stability) performed at Invitae indicates that this missense variant is expected to disrupt EPHB4 protein function with a positive predictive value of 80%. In summary, the available evidence is currently insufficient to determine the role of this variant in disease. Therefore, it has been classified as a Variant of Uncertain Significance.

NM_004444.5(EPHB4):c.536A>C (p.Gln179Pro)

Gene: EPHB4 (EPH receptor B4; minus strand). Cytogenetic location: 7q22.1.
Variant type: single nucleotide variant.
Coding change: c.536A>C on transcript NM_004444.5 (MANE Select); coding-DNA position 536, A replaced by C.
Protein change: p.Gln179Pro; replaces glutamine 179 with proline.
Molecular consequence: missense variant.
Genome position (GRCh38, 1-based): chr7:100,822,543, T>G on the plus strand (A>C on the coding strand, the complement: EPHB4 is on the minus strand). VCF-style: chr7-100822543-T-G. GRCh37 (hg19) VCF-style: chr7-100420165-T-G.
Other names: short protein forms Q179P.
Identifiers: ClinVar variation 3646970 (VCV003646970.2).
Genomic context (GRCh38, chr7:100,822,543, plus strand): 5'-TGGGCGCACTTTTTGTAGAAGAGGTGCAGGGATAGCAGGGCCATGCAGGCACCCTGGTCC[T>G]GGAAGGCCAGGTAGAAGCCAGCCTTGCTGAGCGGTCCCAGACGCAGCGTCTTGACATTCA-3'
Protein context (NP_004435.3, residues 169-189): LSKAGFYLAF[Gln179Pro]DQGACMALLS